The following is an entry in ClinVar:

NM_005198.5(CHKB):c.613A>G (p.Thr205Ala)

Genes: CHKB (choline kinase beta; minus strand), CHKB-CPT1B (CHKB-CPT1B readthrough (NMD candidate); minus strand). Cytogenetic location: 22q13.33.
Variant type: single nucleotide variant.
Coding change: c.613A>G on transcript NM_005198.5 (MANE Select); coding-DNA position 613, A replaced by G.
Protein change: p.Thr205Ala; replaces threonine 205 with alanine.
Molecular consequence: missense variant. On other transcripts: non-coding transcript variant (1).
Genome position (GRCh38, 1-based): chr22:50,580,629, T>C on the plus strand (A>G on the coding strand, the complement: CHKB is on the minus strand). VCF-style: chr22-50580629-T-C. GRCh37 (hg19) VCF-style: chr22-51019058-T-C.
Other names: short protein forms T205A.
Identifiers: ClinVar variation 1005353 (VCV001005353.8), dbSNP rs888546734, ClinGen allele CA325537612.
Genomic context (GRCh38, chr22:50,580,629, plus strand): 5'-GGTTGCCCATCTCATCCTTCAGGCTGTACATCTCCAGCAGGTTCATCTCAGGGAGGCCAG[T>C]TGGGGGCAGGTCCTGGATCTGTTTTAGGTACCTGAAGCCCAAAGAATAGGATACACTGGC-3'
Protein context (NP_005189.2, residues 195-215): YLKQIQDLPP[Thr205Ala]GLPEMNLLEM

ClinVar aggregate classification (germline): Uncertain significance (1 of 4 stars; one submission).

Conditions:
Megaconial type congenital muscular dystrophy (MDCMC). Also called: CHKB-Related Muscle Diseases; CHKB-Related Muscular Dystrophy; MUSCULAR DYSTROPHY, CONGENITAL, WITH MITOCHONDRIAL STRUCTURAL ABNORMALITIES. Identifiers: Orphanet 280671, MedGen C1865233, MONDO:0011246, OMIM 602541.

Allele frequency attached by ClinVar (database versions not stated): gnomAD exomes below 0.00001 and 0.00001; TOPMed below 0.00001.

Submission:

Labcorp Genetics (formerly Invitae), Labcorp
Classification: Uncertain significance for Megaconial type congenital muscular dystrophy. Last evaluated: 2020-08-27. Review status: criteria provided, single submitter. Criteria: Invitae Variant Classification Sherloc (09022015). Collection method: clinical testing. Allele origin: germline.
Comment: Algorithms developed to predict the effect of missense changes on protein structure and function output the following: SIFT: "Tolerated"; PolyPhen-2: "Benign"; Align-GVGD: "Class C0". The alanine amino acid residue is found in multiple mammalian species, suggesting that this missense change does not adversely affect protein function. These predictions have not been confirmed by published functional studies and their clinical significance is uncertain. In summary, the available evidence is currently insufficient to determine the role of this variant in disease. Therefore, it has been classified as a Variant of Uncertain Significance. Algorithms developed to predict the effect of sequence changes on RNA splicing suggest that this variant may create or strengthen a splice site, but this prediction has not been confirmed by published transcriptional studies. This variant has not been reported in the literature in individuals with CHKB-related conditions. This variant is not present in population databases (ExAC no frequency). This sequence change replaces threonine with alanine at codon 205 of the CHKB protein (p.Thr205Ala). The threonine residue is moderately conserved and there is a small physicochemical difference between threonine and alanine.